The following is an entry in ClinVar:

NM_021625.5(TRPV4):c.1833C>G (p.Phe611Leu)

Gene: TRPV4 (transient receptor potential cation channel subfamily V member 4; minus strand). Cytogenetic location: 12q24.11.
Variant type: single nucleotide variant.
Coding change: c.1833C>G on transcript NM_021625.5 (MANE Select); coding-DNA position 1833, C replaced by G.
Protein change: p.Phe611Leu; replaces phenylalanine 611 with leucine.
Molecular consequence: missense variant.
Genome position (GRCh38, 1-based): chr12:109,792,421, G>C on the plus strand (C>G on the coding strand, the complement: TRPV4 is on the minus strand). VCF-style: chr12-109792421-G-C. GRCh37 (hg19) VCF-style: chr12-110230226-G-C.
Other names: c.1692C>G, p.Phe564Leu (NM_001177428.2); c.1731C>G, p.Phe577Leu (NM_001177431.2); c.1512C>G, p.Phe504Leu (NM_001177433.2); c.1653C>G, p.Phe551Leu (NM_147204.3); short protein forms F551L, F611L, F504L, F564L, F577L.
Identifiers: ClinVar variation 5001599 (VCV005001599.1).

ClinVar aggregate classification (germline): Uncertain significance (1 of 4 stars; one submission).

Conditions:
TRPV4-related disorder. Also called: TRPV4-related disorders; TRPV4-related condition.

gnomAD v4.1: 1 of 1,613,944 alleles (0.000062%); highest among the groups gnomAD compares: Admixed American, 0.0017%; no homozygotes.

Submission:

PreventionGenetics, part of Exact Sciences
Classification: Uncertain significance for TRPV4-related condition. Last evaluated: 2025-03-05. Review status: criteria provided, single submitter. Criteria: ACMG Guidelines, 2015. Collection method: clinical testing. Allele origin: germline.
Comment: The TRPV4 c.1833C>G variant is predicted to result in the amino acid substitution p.Phe611Leu. To our knowledge, this variant has not been reported in the literature. This variant is reported in 0.0029% of alleles in individuals of Latino descent in gnomAD. At this time, the clinical significance of this variant is uncertain due to the absence of conclusive functional and genetic evidence.